The following is an entry in ClinVar:

ClinVar aggregate classification (germline): Uncertain significance (1 of 4 stars; one submission).

Conditions:
Intellectual developmental disorder, X-linked 63. Also called: MENTAL RETARDATION, X-LINKED 68; Intellectual disability, X-linked 63. Identifiers: Orphanet 777, MedGen C1845672, MONDO:0010313, OMIM 300387.

Allele frequency attached by ClinVar (database versions not stated): gnomAD exomes below 0.00001.
gnomAD v4.1: 1 of 1,210,788 alleles (0.000083%); highest among the groups gnomAD compares: Admixed American, 0.0022%; no homozygotes.

Submission:

New York Genome Center
Classification: Uncertain significance for Intellectual developmental disorder, X-linked 63. Last evaluated: 2020-10-16. Review status: criteria provided, single submitter. Criteria: NYGC Assertion Criteria 2020. Collection method: clinical testing. Allele origin: inherited. Observed: 1 hemizygote. Study: CSER-NYCKidSeq.
Comment: This variant is absent in gnomAD v3 indicating it is not a common benign variant in the populations represented in this database. In silico predictors suggest this variant is Benign (REVEL; score: 0.1239) and Tolerated (SIFT; score: 0.127). Given the conflicting evidence regarding its pathogenicity, the c.1417A>G (p.Asn473Asp) variant identified in the ACSL4 gene is reported as a Variant of Uncertain Significance.

NM_001318510.2(ACSL4):c.1417A>G (p.Asn473Asp)

Gene: ACSL4 (acyl-CoA synthetase long chain family member 4; minus strand). Cytogenetic location: Xq23.
Variant type: single nucleotide variant.
Coding change: c.1417A>G on transcript NM_001318510.2 (MANE Select); coding-DNA position 1417, A replaced by G.
Protein change: p.Asn473Asp; replaces asparagine 473 with aspartic acid.
Molecular consequence: missense variant.
Genome position (GRCh38, 1-based): chrX:109,663,376, T>C on the plus strand (A>G on the coding strand, the complement: ACSL4 is on the minus strand). VCF-style: chrX-109663376-T-C. GRCh37 (hg19) VCF-style: chrX-108906605-T-C.
Other names: c.1540A>G, p.Asn514Asp (NM_001318509.2, NM_022977.3); c.1417A>G, p.Asn473Asp (NM_004458.3); short protein forms N473D, N514D.
Identifiers: ClinVar variation 1213768 (VCV001213768.1), dbSNP rs1922335543, ClinGen allele CA414215625.